The following is an entry in ClinVar:

NM_001130438.3(SPTAN1):c.3103C>T (p.Leu1035Phe)

Gene: SPTAN1 (spectrin alpha, non-erythrocytic 1; plus strand). Cytogenetic location: 9q34.11.
Variant type: single nucleotide variant.
Coding change: c.3103C>T on transcript NM_001130438.3 (MANE Select); coding-DNA position 3103, C replaced by T.
Protein change: p.Leu1035Phe; replaces leucine 1035 with phenylalanine.
Molecular consequence: missense variant.
Genome position (GRCh38, 1-based): chr9:128,591,573, C>T. VCF-style: chr9-128591573-C-T. GRCh37 (hg19) VCF-style: chr9-131353852-C-T.
Other names: c.3103C>T, p.Leu1035Phe (NM_001195532.2, NM_001363759.2, NM_001363765.2 and 5 more transcripts); c.3139C>T, p.Leu1047Phe (NM_001375312.2, NM_001375318.1); short protein forms L1035F, L1047F.
Identifiers: ClinVar variation 937509 (VCV000937509.10), dbSNP rs1853533209, ClinGen allele CA375060447.
Genomic context (GRCh38, chr9:128,591,573, plus strand): 5'-TTTGTGCCGGCTGCGTACGTGAAGAAATTGGACCCCGCCCAGTCAGCCTCCCGGGAGAAT[C>T]TCCTGGAGGAGCAAGGCAGCATAGCACTGCGGCAGGAGCAGATTGACAATCAGTAAGGAT-3'
Protein context (NP_001123910.1, residues 1025-1045): DPAQSASREN[Leu1035Phe]LEEQGSIALR

ClinVar aggregate classification (germline): Uncertain significance (1 of 4 stars; one submission).

Conditions:
Early-infantile DEE. Also called: Early infantile epileptic encephalopathy; Ohtahara syndrome; Early infantile epileptic encephalopathy with suppression bursts. Identifiers: Orphanet 1934, MedGen C0393706, MONDO:0800491.

Submission:

Labcorp Genetics (formerly Invitae), Labcorp
Classification: Uncertain significance for Early-infantile DEE. Last evaluated: 2021-06-18. Review status: criteria provided, single submitter. Criteria: Invitae Variant Classification Sherloc (09022015). Collection method: clinical testing. Allele origin: germline.
Comment: This variant is not present in population databases (ExAC no frequency). This sequence change replaces leucine with phenylalanine at codon 1035 of the SPTAN1 protein (p.Leu1035Phe). The leucine residue is highly conserved and there is a small physicochemical difference between leucine and phenylalanine. In summary, the available evidence is currently insufficient to determine the role of this variant in disease. Therefore, it has been classified as a Variant of Uncertain Significance. Algorithms developed to predict the effect of missense changes on protein structure and function are either unavailable or do not agree on the potential impact of this missense change (SIFT: "Tolerated"; PolyPhen-2: "Probably Damaging"; Align-GVGD: "Class C0"). This variant has not been reported in the literature in individuals with SPTAN1-related conditions.